The following is an entry in ClinVar:

ClinVar aggregate classification (germline): Uncertain significance. Review status: criteria provided, multiple submitters, no conflicts (2 of 4 stars). 2 submissions from 2 submitters: Uncertain significance (2). Last evaluated 2022-04-04.

Conditions:
Charcot-Marie-Tooth disease recessive intermediate A (CMTRIA). Also called: CHARCOT-MARIE-TOOTH NEUROPATHY, RECESSIVE INTERMEDIATE A. Identifiers: Orphanet 217055, MedGen C1842197, MONDO:0012014, OMIM 608340.

Submissions (2):

Laboratorio de Genetica e Diagnostico Molecular, Hospital Israelita Albert Einstein
Classification: Uncertain significance for Charcot-Marie-Tooth disease recessive intermediate A. Last evaluated: 2022-04-04. Review status: criteria provided, single submitter. Criteria: ACMG Guidelines, 2015. Collection method: clinical testing. Allele origin: germline. Affected: yes. Observed: 1 variant allele.
Comment: ACMG classification criteria: PM2 moderated

Athena Diagnostics
Classification: Uncertain significance. Last evaluated: 2020-03-10. Review status: criteria provided, single submitter. Criteria: Athena Diagnostics Criteria. Collection method: clinical testing. Allele origin: unknown.

NM_018972.4(GDAP1):c.931G>A (p.Val311Met)

Gene: GDAP1 (ganglioside induced differentiation associated protein 1; plus strand). Cytogenetic location: 8q21.11.
Variant type: single nucleotide variant.
Coding change: c.931G>A on transcript NM_018972.4 (MANE Select); coding-DNA position 931, G replaced by A.
Protein change: p.Val311Met; replaces valine 311 with methionine.
Molecular consequence: missense variant. On other transcripts: intron variant (1).
Genome position (GRCh38, 1-based): chr8:74,364,221, G>A. VCF-style: chr8-74364221-G-A. GRCh37 (hg19) VCF-style: chr8-75276456-G-A.
Other names: c.727G>A, p.Val243Met (NM_001040875.4); c.604G>A, p.Val202Met (NM_001362929.2, NM_001362932.2); c.757G>A, p.Val253Met (NM_001362930.2); c.694+1168G>A (NM_001362931.2); short protein forms V243M, V253M, V202M, V311M.
Identifiers: ClinVar variation 804866 (VCV000804866.3), dbSNP rs1586807556, ClinGen allele CA371550564.